The following is an entry in ClinVar:

NM_024675.4(PALB2):c.1182T>C (p.His394=)

Gene: PALB2 (partner and localizer of BRCA2; minus strand). Cytogenetic location: 16p12.2.
Variant type: single nucleotide variant.
Coding change: c.1182T>C on transcript NM_024675.4 (MANE Select); coding-DNA position 1182, T replaced by C.
Protein change: p.His394=; no amino-acid change (histidine 394 retained).
Molecular consequence: synonymous variant.
Genome position (GRCh38, 1-based): chr16:23,635,364, A>G on the plus strand (T>C on the coding strand, the complement: PALB2 is on the minus strand). VCF-style: chr16-23635364-A-G. GRCh37 (hg19) VCF-style: chr16-23646685-A-G.
Identifiers: ClinVar variation 460884 (VCV000460884.13), dbSNP rs772960995, ClinGen allele CA7963728.

ClinVar aggregate classification (germline): Benign/Likely benign. Review status: criteria provided, multiple submitters, no conflicts (2 of 4 stars). 3 submissions from 3 submitters: Benign (1); Likely benign (2). Last evaluated 2025-01-13.

Conditions:
Hereditary cancer-predisposing syndrome. Also called: Neoplastic Syndromes, Hereditary; Hereditary Cancer Syndrome; Hereditary neoplastic syndrome; Tumor predisposition. Identifiers: Orphanet 140162, MedGen C0027672, MeSH D009386, MONDO:0015356.
Familial cancer of breast. Also called: BREAST CANCER, FAMILIAL; Hereditary breast cancer; hereditary breast carcinoma. Identifiers: Orphanet 227535, MedGen C0346153, MONDO:0016419, OMIM 114480. Disease mechanism: loss of function.

Allele frequency attached by ClinVar (database versions not stated): gnomAD exomes below 0.00001; TOPMed below 0.00001; ExAC 0.00001.
gnomAD v4.1: 2 of 1,614,046 alleles (0.00012%); highest among the groups gnomAD compares: Non-Finnish European, 0.00017%; no homozygotes.

Submissions (3):

Myriad Genetics, Inc.
Classification: Benign for Familial cancer of breast. Last evaluated: 2025-01-13. Review status: criteria provided, single submitter. Criteria: Myriad Autosomal Dominant, Autosomal Recessive and X-Linked Classification Criteria (2023). Collection method: clinical testing. Allele origin: unknown.
Comment: This variant is considered benign. This variant is a silent/synonymous amino acid change and it is not expected to impact splicing.

Ambry Genetics
Classification: Likely benign for Hereditary cancer-predisposing syndrome. Last evaluated: 2023-09-22. Review status: criteria provided, single submitter. Criteria: Ambry Variant Classification Scheme 2023. Collection method: clinical testing. Allele origin: germline.

Labcorp Genetics (formerly Invitae), Labcorp
Classification: Likely benign for Familial cancer of breast. Last evaluated: 2021-07-25. Review status: criteria provided, single submitter. Criteria: Invitae Variant Classification Sherloc (09022015). Collection method: clinical testing. Allele origin: germline.